The following is an entry in ClinVar:

NM_001130438.3(SPTAN1):c.4351C>G (p.His1451Asp)

Gene: SPTAN1 (spectrin alpha, non-erythrocytic 1; plus strand). Cytogenetic location: 9q34.11.
Variant type: single nucleotide variant.
Coding change: c.4351C>G on transcript NM_001130438.3 (MANE Select); coding-DNA position 4351, C replaced by G.
Protein change: p.His1451Asp; replaces histidine 1451 with aspartic acid.
Molecular consequence: missense variant.
Genome position (GRCh38, 1-based): chr9:128,608,136, C>G. VCF-style: chr9-128608136-C-G. GRCh37 (hg19) VCF-style: chr9-131370415-C-G.
Other names: c.4291C>G, p.His1431Asp (NM_001195532.2, NM_001363765.2, NM_001375314.2); c.4351C>G, p.His1451Asp (NM_001363759.2, NM_001375310.1, NM_001375311.2 and 2 more transcripts); c.4387C>G, p.His1463Asp (NM_001375312.2, NM_001375318.1); short protein forms H1463D, H1431D, H1451D.
Identifiers: ClinVar variation 858656 (VCV000858656.8), dbSNP rs772533230, ClinGen allele CA5265168.
Genomic context (GRCh38, chr9:128,608,136, plus strand): 5'-AGTGTTTCCTTGCTGAAGGGCCTCATTTTCTCACCTGCCTCTTGCCCTCTTTAGCTGTTC[C>G]ATCGGGACTGTGAGCAAGCTGAGAACTGGATGGCTGCCCGGGAGGCCTTCTTGAATACCG-3'
Protein context (NP_001123910.1, residues 1441-1461): LDQCLELQLF[His1451Asp]RDCEQAENWM

ClinVar aggregate classification (germline): Uncertain significance (1 of 4 stars; one submission).

Conditions:
Early-infantile DEE. Also called: Early infantile epileptic encephalopathy; Early infantile epileptic encephalopathy with suppression bursts; Ohtahara syndrome. Identifiers: Orphanet 1934, MedGen C0393706, MONDO:0800491.

Allele frequency attached by ClinVar (database versions not stated): gnomAD exomes 0.00001; gnomAD 0.00002 and 0.00003; ExAC 0.00003; TOPMed 0.00005.
gnomAD v4.1: 5 of 1,614,034 alleles (0.00031%); highest among the groups gnomAD compares: African/African-American, 0.0067%; no homozygotes.

Submission:

Labcorp Genetics (formerly Invitae), Labcorp
Classification: Uncertain significance for Early-infantile DEE. Last evaluated: 2024-10-28. Review status: criteria provided, single submitter. Criteria: Invitae Variant Classification Sherloc (09022015). Collection method: clinical testing. Allele origin: germline.
Comment: This sequence change replaces histidine, which is basic and polar, with aspartic acid, which is acidic and polar, at codon 1451 of the SPTAN1 protein (p.His1451Asp). This variant is present in population databases (rs772533230, gnomAD 0.01%). This variant has not been reported in the literature in individuals affected with SPTAN1-related conditions. ClinVar contains an entry for this variant (Variation ID: 858656). Invitae Evidence Modeling of protein sequence and biophysical properties (such as structural, functional, and spatial information, amino acid conservation, physicochemical variation, residue mobility, and thermodynamic stability) has been performed for this missense variant. However, the output from this modeling did not meet the statistical confidence thresholds required to predict the impact of this variant on SPTAN1 protein function. In summary, the available evidence is currently insufficient to determine the role of this variant in disease. Therefore, it has been classified as a Variant of Uncertain Significance.